The following is an entry in ClinVar:

NM_001349253.2(SCN11A):c.1477C>G (p.Gln493Glu)

Gene: SCN11A (sodium voltage-gated channel alpha subunit 11; minus strand). Cytogenetic location: 3p22.2.
Variant type: single nucleotide variant.
Coding change: c.1477C>G on transcript NM_001349253.2 (MANE Select); coding-DNA position 1477, C replaced by G.
Protein change: p.Gln493Glu; replaces glutamine 493 with glutamic acid.
Molecular consequence: missense variant.
Genome position (GRCh38, 1-based): chr3:38,905,318, G>C on the plus strand (C>G on the coding strand, the complement: SCN11A is on the minus strand). VCF-style: chr3-38905318-G-C. GRCh37 (hg19) VCF-style: chr3-38946809-G-C.
Other names: c.1477C>G, p.Gln493Glu (NM_014139.3); short protein forms Q493E.
Identifiers: ClinVar variation 2930526 (VCV002930526.17), dbSNP rs371420711, ClinGen allele CA2322287.

ClinVar aggregate classification (germline): Uncertain significance. Review status: criteria provided, multiple submitters, no conflicts (2 of 4 stars). 2 submissions from 2 submitters: Uncertain significance (2). Last evaluated 2024-10-20.

Conditions:
Hereditary sensory and autonomic neuropathy type 7. Also called: Neuropathy, hereditary sensory and autonomic, type VII; HSAN VII. Identifiers: Orphanet 391397, MedGen C3809882, MONDO:0014244, OMIM 615548.
Familial episodic pain syndrome with predominantly lower limb involvement. Also called: Episodic pain syndrome, familial, 3. Identifiers: Orphanet 391384, Orphanet 391392, MedGen C3809899, MONDO:0014247, OMIM 615552.

Allele frequency attached by ClinVar (database versions not stated): ExAC 0.00001; ESP Exome Variant Server 0.00008.

Submissions (2):

Labcorp Genetics (formerly Invitae), Labcorp
Classification: Uncertain significance for Familial episodic pain syndrome with predominantly lower limb involvement; Hereditary sensory and autonomic neuropathy type 7. Last evaluated: 2024-10-20. Review status: criteria provided, single submitter. Criteria: Invitae Variant Classification Sherloc (09022015). Collection method: clinical testing. Allele origin: germline.
Comment: This sequence change replaces glutamine, which is neutral and polar, with glutamic acid, which is acidic and polar, at codon 493 of the SCN11A protein (p.Gln493Glu). This variant is present in population databases (rs371420711, gnomAD 0.0009%). This variant has not been reported in the literature in individuals affected with SCN11A-related conditions. An algorithm developed to predict the effect of missense changes on protein structure and function (PolyPhen-2) suggests that this variant is likely to be tolerated. In summary, the available evidence is currently insufficient to determine the role of this variant in disease. Therefore, it has been classified as a Variant of Uncertain Significance.

CeGaT Center for Human Genetics Tuebingen
Classification: Uncertain significance. Last evaluated: 2024-09-01. Review status: criteria provided, single submitter. Criteria: CeGaT Center For Human Genetics Tuebingen Variant Classification Criteria Version 2. Collection method: clinical testing. Allele origin: germline. Affected: yes. Observed: 1 variant allele.
Comment: SCN11A: PM2